The following is an entry in ClinVar:

ClinVar aggregate classification (germline): Uncertain significance (1 of 4 stars; one submission).

Conditions:
Myofibrillar myopathy 5. Also called: FILAMINOPATHY, AUTOSOMAL DOMINANT; Filaminopathy (type). Identifiers: Orphanet 171445, MedGen C1836050, MONDO:0012289, OMIM 609524.
Hypertrophic cardiomyopathy 26. Also called: Cardiomyopathy, familial hypertrophic, 26. Identifiers: Orphanet 75249, MedGen C4310749, MONDO:0014883, OMIM 617047.
Distal myopathy with posterior leg and anterior hand involvement. Also called: WILLIAMS DISTAL MYOPATHY. Identifiers: Orphanet 63273, MedGen C3279722, MONDO:0013550, OMIM 614065.

Submission:

Labcorp Genetics (formerly Invitae), Labcorp
Classification: Uncertain significance for Distal myopathy with posterior leg and anterior hand involvement; Myofibrillar myopathy 5; Hypertrophic cardiomyopathy 26. Last evaluated: 2020-08-04. Review status: criteria provided, single submitter. Criteria: Invitae Variant Classification Sherloc (09022015). Collection method: clinical testing. Allele origin: germline.
Comment: Algorithms developed to predict the effect of sequence changes on RNA splicing suggest that this variant may disrupt the consensus splice site, but this prediction has not been confirmed by published transcriptional studies. This variant has not been reported in the literature in individuals with FLNC-related conditions. This variant is not present in population databases (ExAC no frequency). This sequence change affects codon 1429 of the FLNC mRNA. It is a 'silent' change, meaning that it does not change the encoded amino acid sequence of the FLNC protein. In summary, the available evidence is currently insufficient to determine the role of this variant in disease. Therefore, it has been classified as a Variant of Uncertain Significance.

NM_001458.5(FLNC):c.4287A>C (p.Pro1429=)

Gene: FLNC (filamin C; plus strand). Cytogenetic location: 7q32.1.
Variant type: single nucleotide variant.
Coding change: c.4287A>C on transcript NM_001458.5 (MANE Select); coding-DNA position 4287, A replaced by C.
Protein change: p.Pro1429=; no amino-acid change (proline 1429 retained).
Molecular consequence: synonymous variant.
Genome position (GRCh38, 1-based): chr7:128,846,904, A>C. VCF-style: chr7-128846904-A-C. GRCh37 (hg19) VCF-style: chr7-128486958-A-C.
Other names: c.4287A>C, p.Pro1429= (NM_001127487.2).
Identifiers: ClinVar variation 947491 (VCV000947491.10), dbSNP rs1808591761, ClinGen allele CA457582163.